The following is an entry in ClinVar:

ClinVar aggregate classification (germline): Conflicting classifications of pathogenicity. Review status: criteria provided, conflicting classifications (1 of 4 stars). 7 submissions from 7 submitters: Uncertain significance (2); Likely benign (4). 1 of the submissions does not count toward it. Last evaluated 2025-08-04.

Conditions:
Polycystic kidney disease 4 (PKD4). Also called: POLYCYSTIC KIDNEY DISEASE 4 WITH OR WITHOUT POLYCYSTIC LIVER DISEASE; POLYCYSTIC KIDNEY AND HEPATIC DISEASE 1; POLYCYSTIC KIDNEY DISEASE, INFANTILE, TYPE I; Autosomal Recessive Polycystic Kidney Disease – PKHD1; PKD3. Identifiers: MedGen C4540575, MONDO:0033004, OMIM 263200.
Inborn genetic diseases. Identifiers: MedGen C0950123, MeSH D030342.
Autosomal recessive polycystic kidney disease (ARPKD). Also called: AR polycystic kidney disease. Identifiers: Orphanet 731, Orphanet 8378, MedGen C0085548, MeSH D017044, MONDO:0009889.

Allele frequency attached by ClinVar (database versions not stated): ESP Exome Variant Server 0.00015; ExAC 0.00018; gnomAD exomes 0.00027 and 0.00030; gnomAD 0.00036 and 0.00040; TOPMed 0.00038.
gnomAD v4.1: 489 of 1,599,106 alleles (0.031%); highest among the groups gnomAD compares: Admixed American, 0.062%; no homozygotes.

Submissions (7):

Ambry Genetics
Classification: Likely benign for Inborn genetic diseases. Last evaluated: 2025-08-04. Review status: criteria provided, single submitter. Criteria: Ambry Variant Classification Scheme 2023. Collection method: clinical testing. Allele origin: germline.

Labcorp Genetics (formerly Invitae), Labcorp
Classification: Uncertain significance for Autosomal recessive polycystic kidney disease. Last evaluated: 2025-01-29. Review status: criteria provided, single submitter. Criteria: Invitae Variant Classification Sherloc (09022015). Collection method: clinical testing. Allele origin: germline.
Comment: This sequence change affects codon 43 of the PKHD1 mRNA. It is a 'silent' change, meaning that it does not change the encoded amino acid sequence of the PKHD1 protein. It affects a nucleotide within the consensus splice site. This variant is present in population databases (rs201195801, gnomAD 0.04%). This variant has been observed in individual(s) with polycystic kidney disease (PMID: 37372416). ClinVar contains an entry for this variant (Variation ID: 281794). Algorithms developed to predict the effect of sequence changes on RNA splicing suggest that this variant is not likely to affect RNA splicing. In summary, the available evidence is currently insufficient to determine the role of this variant in disease. Therefore, it has been classified as a Variant of Uncertain Significance.

Blueprint Genetics
Classification: Likely benign. Last evaluated: 2024-11-22. Review status: criteria provided, single submitter. Criteria: ACMG Guidelines, 2015. Collection method: clinical testing. Allele origin: germline.

Department of Pathology and Laboratory Medicine, Sinai Health System
Classification: Likely benign for Polycystic kidney disease 4. Last evaluated: 2023-09-18. Review status: criteria provided, single submitter. Criteria: ACMG Guidelines, 2015. Collection method: clinical testing. Allele origin: germline. Affected: yes.

CeGaT Center for Human Genetics Tuebingen
Classification: Likely benign. Last evaluated: 2022-12-01. Review status: criteria provided, single submitter. Criteria: CeGaT Center For Human Genetics Tuebingen Variant Classification Criteria Version 2. Collection method: clinical testing. Allele origin: germline. Affected: yes. Observed: 1 variant allele.
Comment: PKHD1: BP4, BP7

Eurofins Ntd Llc (ga)
Classification: Uncertain significance. Last evaluated: 2017-08-15. Review status: criteria provided, single submitter. Criteria: EGL Classification Definitions 2015. Collection method: clinical testing. Allele origin: germline. Observed: 4 variant alleles, 4 heterozygotes.

Natera, Inc.
Classification: Uncertain significance for Autosomal recessive polycystic kidney disease. Last evaluated: 2018-04-22. Review status: no assertion criteria provided. Collection method: clinical testing. Allele origin: germline. Not counted in ClinVar's aggregate classification.

Literature cited by the submitters: PubMed 37372416 (cited by Labcorp Genetics (formerly Invitae), Labcorp).

NM_138694.4(PKHD1):c.129T>C (p.Asp43=)

Gene: PKHD1 (PKHD1 ciliary IPT domain containing fibrocystin/polyductin; minus strand). Cytogenetic location: 6p12.2.
Variant type: single nucleotide variant.
Coding change: c.129T>C on transcript NM_138694.4 (MANE Select); coding-DNA position 129, T replaced by C.
Protein change: p.Asp43=; no amino-acid change (aspartic acid 43 retained).
Molecular consequence: synonymous variant.
Genome position (GRCh38, 1-based): chr6:52,083,179, A>G on the plus strand (T>C on the coding strand, the complement: PKHD1 is on the minus strand). VCF-style: chr6-52083179-A-G. GRCh37 (hg19) VCF-style: chr6-51947977-A-G.
Other names: c.129T>C, p.Asp43= (NM_170724.3).
Identifiers: ClinVar variation 281794 (VCV000281794.39), dbSNP rs201195801, ClinGen allele CA3854036.